The following is an entry in ClinVar:

NM_005051.3(QARS1):c.695A>G (p.His232Arg)

Gene: QARS1 (glutaminyl-tRNA synthetase 1; minus strand). Cytogenetic location: 3p21.31.
Variant type: single nucleotide variant.
Coding change: c.695A>G on transcript NM_005051.3 (MANE Select); coding-DNA position 695, A replaced by G.
Protein change: p.His232Arg; replaces histidine 232 with arginine.
Molecular consequence: missense variant. On other transcripts: non-coding transcript variant (1).
Genome position (GRCh38, 1-based): chr3:49,101,836, T>C on the plus strand (A>G on the coding strand, the complement: QARS1 is on the minus strand). VCF-style: chr3-49101836-T-C. GRCh37 (hg19) VCF-style: chr3-49139269-T-C.
Other names: c.662A>G, p.His221Arg (NM_001272073.2); short protein forms H232R, H221R.
Identifiers: ClinVar variation 1473918 (VCV001473918.8), dbSNP rs2107107384, ClinGen allele CA352715051.

ClinVar aggregate classification (germline): Uncertain significance (1 of 4 stars; one submission).

Conditions:
Diffuse cerebral and cerebellar atrophy - intractable seizures - progressive microcephaly syndrome. Also called: Microcephaly, progressive, with seizures and cerebral and cerebellar atrophy. Identifiers: Orphanet 404437, MedGen C4014239, MONDO:0014335, OMIM 615760.

Submission:

Labcorp Genetics (formerly Invitae), Labcorp
Classification: Uncertain significance for Diffuse cerebral and cerebellar atrophy - intractable seizures - progressive microcephaly syndrome. Last evaluated: 2022-12-06. Review status: criteria provided, single submitter. Criteria: Invitae Variant Classification Sherloc (09022015). Collection method: clinical testing. Allele origin: germline.
Comment: This sequence change replaces histidine, which is basic and polar, with arginine, which is basic and polar, at codon 232 of the QARS protein (p.His232Arg). This variant is not present in population databases (gnomAD no frequency). This variant has not been reported in the literature in individuals affected with QARS-related conditions. ClinVar contains an entry for this variant (Variation ID: 1473918). Algorithms developed to predict the effect of missense changes on protein structure and function (SIFT, PolyPhen-2, Align-GVGD) all suggest that this variant is likely to be disruptive. In summary, the available evidence is currently insufficient to determine the role of this variant in disease. Therefore, it has been classified as a Variant of Uncertain Significance.